The following is an entry in ClinVar:

ClinVar aggregate classification (germline): Conflicting classifications of pathogenicity. Review status: criteria provided, conflicting classifications (1 of 4 stars). 11 submissions from 11 submitters: Uncertain significance (1); Benign (5); Likely benign (2). 3 of the submissions do not count toward it. Last evaluated 2026-09-01.

Conditions:
Nemaline myopathy 2 (NEM2). Also called: Nemaline myopathy 2, autosomal recessive. Identifiers: MedGen C1850569, MONDO:0009725, OMIM 256030.

Allele frequency attached by ClinVar (database versions not stated): 1000 Genomes Project 0.00080; 1000 Genomes Project 30x 0.00109; TOPMed 0.00218; ESP Exome Variant Server 0.00284; ExAC 0.00347; gnomAD exomes 0.00367 and 0.00407; gnomAD 0.00421 and 0.00460.
gnomAD v4.1: 5,936 of 1,613,768 alleles (0.37%); highest among the groups gnomAD compares: Non-Finnish European, 0.35%; 36 homozygotes.

Submissions (11):

CeGaT Center for Human Genetics Tuebingen
Classification: Likely benign. Last evaluated: 2026-09-01. Review status: criteria provided, single submitter. Criteria: CeGaT Center For Human Genetics Tuebingen Variant Classification Criteria Version 2. Collection method: clinical testing. Allele origin: germline. Affected: yes. Observed: 13 variant alleles.
Comment: NEB: BS2

Labcorp Genetics (formerly Invitae), Labcorp
Classification: Benign for Nemaline myopathy 2. Last evaluated: 2026-02-04. Review status: criteria provided, single submitter. Criteria: Invitae Variant Classification Sherloc (09022015). Collection method: clinical testing. Allele origin: germline.

Blueprint Genetics
Classification: Likely benign. Last evaluated: 2024-11-08. Review status: criteria provided, single submitter. Criteria: ACMG Guidelines, 2015. Collection method: clinical testing. Allele origin: germline.

Illumina Laboratory Services, Illumina
Classification: Uncertain significance for Nemaline myopathy 2. Last evaluated: 2018-01-13. Review status: criteria provided, single submitter. Criteria: ICSL Variant Classification Criteria 13 December 2019. Collection method: clinical testing. Allele origin: germline.

GeneDx
Classification: Benign. Last evaluated: 2017-06-22. Review status: criteria provided, single submitter. Criteria: GeneDx Variant Classification (06012015). Collection method: clinical testing. Allele origin: germline. Affected: yes.
Comment: This variant is considered likely benign or benign based on one or more of the following criteria: it is a conservative change, it occurs at a poorly conserved position in the protein, it is predicted to be benign by multiple in silico algorithms, and/or has population frequency not consistent with disease.

Genetic Services Laboratory, University of Chicago
Classification: Benign. Last evaluated: 2016-04-27. Review status: criteria provided, single submitter. Criteria: ACMG Guidelines, 2015. Collection method: clinical testing. Allele origin: germline. Affected: no.

Eurofins Ntd Llc (ga)
Classification: Benign. Last evaluated: 2015-02-09. Review status: criteria provided, single submitter. Criteria: EGL Classification Definitions 2015. Collection method: clinical testing. Allele origin: germline. Observed: 2 variant alleles, 2 heterozygotes.

PreventionGenetics, part of Exact Sciences
Classification: Benign. Review status: criteria provided, single submitter. Criteria: ACMG Guidelines, 2015. Collection method: clinical testing. Allele origin: germline.

Natera, Inc.
Classification: Uncertain significance for Nemaline myopathy type 2. Last evaluated: 2020-01-08. Review status: no assertion criteria provided. Collection method: clinical testing. Allele origin: germline. Not counted in ClinVar's aggregate classification.

Clinical Genetics DNA and cytogenetics Diagnostics Lab, Erasmus MC, Erasmus Medical Center
Classification: Likely benign. Review status: no assertion criteria provided. Collection method: clinical testing. Allele origin: germline. Affected: yes. Study: VKGL Data-share Consensus. Not counted in ClinVar's aggregate classification.

Genome Diagnostics Laboratory, University Medical Center Utrecht
Classification: Benign. Review status: no assertion criteria provided. Collection method: clinical testing. Allele origin: germline. Affected: yes. Study: VKGL Data-share Consensus. Not counted in ClinVar's aggregate classification.

NM_001164508.2(NEB):c.9865G>A (p.Gly3289Ser)

Gene: NEB (nebulin; minus strand). Cytogenetic location: 2q23.3.
Variant type: single nucleotide variant.
Coding change: c.9865G>A on transcript NM_001164508.2 (MANE Select); coding-DNA position 9865, G replaced by A.
Protein change: p.Gly3289Ser; replaces glycine 3289 with serine.
Molecular consequence: missense variant.
Genome position (GRCh38, 1-based): chr2:151,627,801, C>T on the plus strand (G>A on the coding strand, the complement: NEB is on the minus strand). VCF-style: chr2-151627801-C-T. GRCh37 (hg19) VCF-style: chr2-152484315-C-T.
Other names: c.9865G>A, p.Gly3289Ser (NM_001164507.2, NM_001271208.2); c.9136G>A, p.Gly3046Ser (NM_004543.5); short protein forms G3046S, G3289S.
Identifiers: ClinVar variation 95141 (VCV000095141.55), dbSNP rs75639119, ClinGen allele CA148266.